The following is an entry in ClinVar:

NM_017755.6(NSUN2):c.1071G>C (p.Trp357Cys)

Gene: NSUN2 (NOP2/Sun RNA methyltransferase 2; minus strand). Cytogenetic location: 5p15.31.
Variant type: single nucleotide variant.
Coding change: c.1071G>C on transcript NM_017755.6 (MANE Select); coding-DNA position 1071, G replaced by C.
Protein change: p.Trp357Cys; replaces tryptophan 357 with cysteine.
Molecular consequence: missense variant. On other transcripts: non-coding transcript variant (1).
Genome position (GRCh38, 1-based): chr5:6,611,749, C>G on the plus strand (G>C on the coding strand, the complement: NSUN2 is on the minus strand). VCF-style: chr5-6611749-C-G. GRCh37 (hg19) VCF-style: chr5-6611862-C-G.
Other names: c.966G>C, p.Trp322Cys (NM_001193455.2); short protein forms W357C, W322C.
Identifiers: ClinVar variation 2131747 (VCV002131747.4), dbSNP rs767983383, ClinGen allele CA359121979.
Genomic context (GRCh38, chr5:6,611,749, plus strand): 5'-TACTCTTTAGAATGAAAGTTCTCGAGGAAAGGTTACCTTCCACTGTGTGATTCCAGGCAT[C>G]CACTTCAGCCCTGGCAGTTCATTAGACACATCAGCAAGCTCCAAAGCACCTGTGCAGCAA-3'
Protein context (NP_060225.4, residues 347-367): DVSNELPGLK[Trp357Cys]MPGITQWKVM

ClinVar aggregate classification (germline): Uncertain significance (1 of 4 stars; one submission).

Submission:

Labcorp Genetics (formerly Invitae), Labcorp
Classification: Uncertain significance. Last evaluated: 2022-04-29. Review status: criteria provided, single submitter. Criteria: Invitae Variant Classification Sherloc (09022015). Collection method: clinical testing. Allele origin: germline.
Comment: In summary, the available evidence is currently insufficient to determine the role of this variant in disease. Therefore, it has been classified as a Variant of Uncertain Significance. Algorithms developed to predict the effect of missense changes on protein structure and function are either unavailable or do not agree on the potential impact of this missense change (SIFT: "Tolerated"; PolyPhen-2: "Probably Damaging"; Align-GVGD: "Class C25"). This variant has not been reported in the literature in individuals affected with NSUN2-related conditions. This variant is not present in population databases (gnomAD no frequency). This sequence change replaces tryptophan, which is neutral and slightly polar, with cysteine, which is neutral and slightly polar, at codon 357 of the NSUN2 protein (p.Trp357Cys).